The following is an entry in ClinVar:

NM_000155.4(GALT):c.2T>C (p.Met1Thr)

Gene: GALT (galactose-1-phosphate uridylyltransferase; plus strand). Cytogenetic location: 9p13.3.
Variant type: single nucleotide variant.
Coding change: c.2T>C on transcript NM_000155.4 (MANE Select); coding-DNA position 2, T replaced by C.
Protein change: p.Met1Thr; changes the start codon (methionine 1).
Molecular consequence: missense variant, initiator codon variant. On other transcripts: 5 prime UTR variant (1).
Genome position (GRCh38, 1-based): chr9:34,646,706, T>C. VCF-style: chr9-34646706-T-C. GRCh37 (hg19) VCF-style: chr9-34646703-T-C.
Other names: c.-201T>C (NM_001258332.2); short protein forms M1T.
Identifiers: ClinVar variation 802479 (VCV000802479.6), dbSNP rs771702963, ClinGen allele CA373278158.
Genomic context (GRCh38, chr9:34,646,706, plus strand): 5'-AGAAAGTGAAAGGTGAGGCACGGCCCTGCAGATTTTCCAGCGGATCCCCCGGTGGCCTCA[T>C]GTCGCGCAGTGGAACCGATCCTCAGCAACGCCAGCAGGCGTCAGAGGCGGACGCCGCAGC-3'
Protein context (NP_000146.2, residues 1-11): [Met1Thr]SRSGTDPQQR

ClinVar aggregate classification (germline): Pathogenic/Likely pathogenic. Review status: criteria provided, multiple submitters, no conflicts (2 of 4 stars). 3 submissions from 3 submitters: Pathogenic (2); Likely pathogenic (1). Last evaluated 2025-12-09.

Conditions:
Deficiency of UDPglucose-hexose-1-phosphate uridylyltransferase. Also called: GALACTOSE-1-PHOSPHATE URIDYLYLTRANSFERASE DEFICIENCY; Transferase Deficiency Galactosemia; GALACTOSEMIA I; GALT deficiency; Galactosemia, classic. Identifiers: Orphanet 352, Orphanet 79239, MedGen C0268151, MONDO:0009258, OMIM 230400.

Submissions (3):

Labcorp Genetics (formerly Invitae), Labcorp
Classification: Pathogenic for Deficiency of UDPglucose-hexose-1-phosphate uridylyltransferase. Last evaluated: 2025-12-09. Review status: criteria provided, single submitter. Criteria: Invitae Variant Classification Sherloc (09022015). Collection method: clinical testing. Allele origin: germline.
Comment: This sequence change affects the initiator codon of the GALT mRNA. This change may impact translation initiation or efficiency. The next in-frame methionine is located at codon 49. This variant is not present in population databases (gnomAD no frequency). Disruption of the initiator codon has been observed in individual(s) with galactosemia (PMID: 27176039). ClinVar contains an entry for this variant (Variation ID: 802479). This variant disrupts a region of the GALT protein in which other variant(s) (p.Gln38Pro) have been determined to be pathogenic (PMID: 9222760, 25268296). This suggests that this is a clinically significant region of the protein, and that variants that disrupt it are likely to be disease-causing. For these reasons, this variant has been classified as Pathogenic.

Fulgent Genetics
Classification: Pathogenic for Deficiency of UDPglucose-hexose-1-phosphate uridylyltransferase. Last evaluated: 2024-04-02. Review status: criteria provided, single submitter. Criteria: ACMG Guidelines, 2015. Collection method: clinical testing. Allele origin: germline.

Mendelics
Classification: Likely pathogenic for Deficiency of UDPglucose-hexose-1-phosphate uridylyltransferase. Last evaluated: 2019-05-28. Review status: criteria provided, single submitter. Criteria: Mendelics Assertion Criteria 2017. Collection method: clinical testing. Allele origin: unknown.

Literature cited by the submitters: PubMed 27176039 (cited by Labcorp Genetics (formerly Invitae), Labcorp); PubMed 9222760 (cited by Labcorp Genetics (formerly Invitae), Labcorp); PubMed 25268296 (cited by Labcorp Genetics (formerly Invitae), Labcorp).